The following is an entry in ClinVar:

NM_004329.3(BMPR1A):c.682C>T (p.Arg228Ter)

Gene: BMPR1A (bone morphogenetic protein receptor type 1A; plus strand). Cytogenetic location: 10q23.2.
Variant type: single nucleotide variant.
Coding change: c.682C>T on transcript NM_004329.3 (MANE Select); coding-DNA position 682, C replaced by T.
Protein change: p.Arg228Ter; replaces arginine 228 with a stop codon.
Molecular consequence: nonsense.
Genome position (GRCh38, 1-based): chr10:86,917,140, C>T. VCF-style: chr10-86917140-C-T. GRCh37 (hg19) VCF-style: chr10-88676897-C-T.
Other names: short protein forms R228*.
Identifiers: ClinVar variation 142735 (VCV000142735.23), dbSNP rs587782682, ClinGen allele CA294476.
Genomic context (GRCh38, chr10:86,917,140, plus strand): 5'-TCTTAATGGGTTTCTTTCATCAAGAGCTCAAACCTTTTACTTTTTTCTATAAAGGTTCAG[C>T]GAACTATTGCCAAACAGATTCAGATGGTCCGGCAAGTTGGTAAAGGCCGATATGGAGAAG-3'

ClinVar aggregate classification (germline): Pathogenic. Review status: criteria provided, multiple submitters, no conflicts (2 of 4 stars). 7 submissions from 7 submitters: Pathogenic (7). Last evaluated 2025-10-30.
ClinVar aggregate classification (oncogenicity): Likely oncogenic (1 of 4 stars; one submission).

Conditions:
BMPR1A-Related Polyposis Syndrome.
Juvenile polyposis syndrome (JPS). Identifiers: Orphanet 2929, MedGen C0345893, MONDO:0017380, OMIM 174900.
Hereditary cancer-predisposing syndrome. Also called: Neoplastic Syndromes, Hereditary; Hereditary Cancer Syndrome; Hereditary neoplastic syndrome; Tumor predisposition. Identifiers: Orphanet 140162, MedGen C0027672, MeSH D009386, MONDO:0015356.
Generalized juvenile polyposis/juvenile polyposis coli. Also called: Juvenile polyposis coli. Identifiers: Orphanet 329971, MedGen C1868081, MONDO:0008276.
Neoplasm. Also called: tumor; Neoplasms; Neoplasm (disease). Identifiers: MedGen C0027651, MeSH D009369, MONDO:0005070, HP:0002664.

Submissions (8):

Labcorp Genetics (formerly Invitae), Labcorp
Classification: Pathogenic for Juvenile polyposis syndrome. Last evaluated: 2025-10-30. Review status: criteria provided, single submitter. Criteria: Invitae Variant Classification Sherloc (09022015). Collection method: clinical testing. Allele origin: germline.
Comment: This sequence change creates a premature translational stop signal (p.Arg228*) in the BMPR1A gene. It is expected to result in an absent or disrupted protein product. Loss-of-function variants in BMPR1A are known to be pathogenic (PMID: 11536076, 12417513). This variant is not present in population databases (gnomAD no frequency). This premature translational stop signal has been observed in individuals with juvenile polyposis syndrome (PMID: 12136244, 23399955). ClinVar contains an entry for this variant (Variation ID: 142735). For these reasons, this variant has been classified as Pathogenic.

Center for Genomic Medicine, Rigshospitalet, Copenhagen University Hospital
Classification: Likely oncogenic for Neoplasm. Last evaluated: 2025-03-04. Review status: criteria provided, single submitter. Criteria: ClinGen/CGC/VICC Guidelines for Oncogenicity, 2022. Collection method: clinical testing. Allele origin: somatic. Affected: yes.

Quest Diagnostics Nichols Institute San Juan Capistrano
Classification: Pathogenic. Last evaluated: 2024-01-23. Review status: criteria provided, single submitter. Criteria: Quest Diagnostics criteria. Collection method: clinical testing. Allele origin: unknown.
Comment: The BMPR1A c.682C>T (p.Arg228*) variant causes the premature termination of BMPR1A protein synthesis. This variant has been reported in the published literature in affected individuals with Juvenile polyposis syndrome (JPS) (PMIDs: 12136244 (2002), 17873119 (2007), and 23399955 (2013)), as well as in an individual with colorectal cancer (PMID: 34897210 (2022)). This variant has not been reported in large, multi-ethnic general populations (Genome Aggregation Database). Based on the available information, this variant is classified as pathogenic.

Rady Children's Institute for Genomic Medicine, Rady Children's Hospital San Diego
Classification: Pathogenic for BMPR1A-Related Polyposis Syndrome. Last evaluated: 2023-12-15. Review status: criteria provided, single submitter. Criteria: ACMG Guidelines, 2015. Collection method: clinical testing. Allele origin: germline. Affected: yes.
Comment: This nonsense variant found in exon 9 of 13 is predicted to result in loss of normal protein function through either protein truncation or nonsense-mediated mRNA decay. Loss-of-function variation in BMPR1A is an established mechanism of disease (PMID: 11536076, 12417513). This variant has been previously reported in individuals with juvenile polyposis syndrome (PMID: 12136244, 23399955, 28152038). The c.682C>T (p.Arg228Ter) variant is absent from the gnomAD population database and thus is presumed to be rare. Based on the available evidence, c.682C>T (p.Arg228Ter) is classified as Pathogenic.

Ambry Genetics
Classification: Pathogenic for Hereditary cancer-predisposing syndrome. Last evaluated: 2023-11-30. Review status: criteria provided, single submitter. Criteria: Ambry Variant Classification Scheme 2023. Collection method: clinical testing. Allele origin: germline.
Comment: The p.R228* pathogenic mutation (also known as c.682C>T), located in coding exon 7 of the BMPR1A gene, results from a C to T substitution at nucleotide position 682. This changes the amino acid from an arginine to a stop codon within coding exon 7. This alteration has been identified in numerous individuals with juvenile polyposis syndrome (JPS) (Aretz S et al. J. Med. Genet. 2007; 44:702-0; Friedl W et al. Hum. Genet. 2002; 111:108-11; Ngeow J et al. Gastroenterology 2013; 144:1402-9, 1409.e1-5). This variant is considered to be rare based on population cohorts in the Genome Aggregation Database (gnomAD). In addition to the clinical data presented in the literature, this alteration is expected to result in loss of function by premature protein truncation or nonsense-mediated mRNA decay. As such, this alteration is interpreted as a disease-causing mutation.

Myriad Genetics, Inc.
Classification: Pathogenic for Juvenile polyposis syndrome. Last evaluated: 2023-05-26. Review status: criteria provided, single submitter. Criteria: Myriad Autosomal Dominant, Autosomal Recessive and X-Linked Classification Criteria (2023). Collection method: clinical testing. Allele origin: unknown.
Comment: This variant is considered pathogenic. This variant creates a termination codon and is predicted to result in premature protein truncation.

Color Diagnostics, LLC DBA Color Health
Classification: Pathogenic for Hereditary cancer-predisposing syndrome. Last evaluated: 2022-11-16. Review status: criteria provided, single submitter. Criteria: ACMG Guidelines, 2015. Collection method: clinical testing. Allele origin: germline.
Comment: This variant changes 1 nucleotide in exon 9 of the BMPR1A gene, creating a premature translation stop signal. This variant is expected to result in an absent or non-functional protein product. To our knowledge, this variant has been reported in individuals affected with juvenile polyposis syndrome (JPS) in the literature (PMID: 12136244, 17873119, 23399955). This variant has not been identified in the general population by the Genome Aggregation Database (gnomAD). Loss of BMPR1A function is a known mechanism of disease. Based on the available evidence, this variant is classified as Pathogenic.

Women's Health and Genetics/Laboratory Corporation of America, LabCorp
Classification: Pathogenic for Juvenile polyposis syndrome. Last evaluated: 2017-02-09. Review status: criteria provided, single submitter. Criteria: LabCorp Variant Classification Summary - May 2015. Collection method: clinical testing. Allele origin: germline.
Comment: Variant summary: The BMPR1A c.682C>T (p.Arg228X) variant results in a premature termination codon, predicted to cause a truncated or absent BMPR1A protein due to nonsense mediated decay, which are commonly known mechanisms for disease. The variant of interest was not observed in controls (ExAC, 1000 Gs, or ESP), however, publications have cited the variant in two affected females with juvenile polyposis syndrome. In addition, multiple clinical diagnostic laboratories classified this variant as pathogenic. Taken together, this variant is classified as pathogenic.

Literature cited by the submitters: PubMed 11536076 (cited by Labcorp Genetics (formerly Invitae), Labcorp); PubMed 12417513 (cited by Labcorp Genetics (formerly Invitae), Labcorp); PubMed 12136244 (cited by 6 submitters); PubMed 23399955 (cited by 6 submitters); PubMed 17873119 (cited by 3 submitters); PubMed 34897210 (cited by Quest Diagnostics Nichols Institute San Juan Capistrano).